The following is an entry in ClinVar:

ClinVar aggregate classification (germline): Likely benign. Review status: criteria provided, multiple submitters, no conflicts (2 of 4 stars). 3 submissions from 3 submitters: Likely benign (2). 1 of the submissions does not count toward it. Last evaluated 2026-09-01.

Conditions:
PLXNA1-related disorder. Also called: PLXNA1-related condition.

gnomAD v4.1: 46 of 1,611,222 alleles (0.0029%); highest among the groups gnomAD compares: South Asian, 0.018%; no homozygotes.

Submissions (3):

CeGaT Center for Human Genetics Tuebingen
Classification: Likely benign. Last evaluated: 2026-09-01. Review status: criteria provided, single submitter. Criteria: CeGaT Center For Human Genetics Tuebingen Variant Classification Criteria Version 2. Collection method: clinical testing. Allele origin: germline. Affected: yes. Observed: 1 variant allele.
Comment: PLXNA1: BP4, BP7

Ambry Genetics
Classification: Likely benign. Last evaluated: 2025-03-06. Review status: criteria provided, single submitter. Criteria: Ambry Variant Classification Scheme 2023. Collection method: clinical testing. Allele origin: germline.

PreventionGenetics, part of Exact Sciences
Classification: Likely benign for PLXNA1-related condition. Last evaluated: 2023-12-19. Review status: no assertion criteria provided. Collection method: clinical testing. Allele origin: germline. Not counted in ClinVar's aggregate classification.
Comment: This variant is classified as likely benign based on ACMG/AMP sequence variant interpretation guidelines (Richards et al. 2015 PMID: 25741868, with internal and published modifications).

NM_032242.4(PLXNA1):c.3183C>T (p.Ser1061=)

Gene: PLXNA1 (plexin A1; plus strand). Cytogenetic location: 3q21.3.
Variant type: single nucleotide variant.
Coding change: c.3183C>T on transcript NM_032242.4 (MANE Select); coding-DNA position 3183, C replaced by T.
Protein change: p.Ser1061=; no amino-acid change (serine 1061 retained).
Molecular consequence: synonymous variant.
Genome position (GRCh38, 1-based): chr3:127,016,944, C>T. VCF-style: chr3-127016944-C-T. GRCh37 (hg19) VCF-style: chr3-126735787-C-T.
Identifiers: ClinVar variation 3355385 (VCV003355385.3).